The following is an entry in ClinVar:

ClinVar aggregate classification (germline): Benign/Likely benign. Review status: criteria provided, multiple submitters, no conflicts (2 of 4 stars). 2 submissions from 2 submitters: Benign (1); Likely benign (1). Last evaluated 2024-10-01.

Allele frequency attached by ClinVar (database versions not stated): TOPMed 0.00353; gnomAD 0.00380 and 0.00398; ESP Exome Variant Server 0.00408; ExAC 0.00477; gnomAD exomes 0.00479 and 0.00640; 1000 Genomes Project 0.00300; 1000 Genomes Project 30x 0.00312.
gnomAD v4.1: 9,979 of 1,611,456 alleles (0.62%); highest among the groups gnomAD compares: Middle Eastern, 1.1%; 57 homozygotes.

Submissions (2):

CeGaT Center for Human Genetics Tuebingen
Classification: Likely benign. Last evaluated: 2024-10-01. Review status: criteria provided, single submitter. Criteria: CeGaT Center For Human Genetics Tuebingen Variant Classification Criteria Version 2. Collection method: clinical testing. Allele origin: germline. Affected: yes. Observed: 3 variant alleles.
Comment: NCAPH: BS2

Labcorp Genetics (formerly Invitae), Labcorp
Classification: Benign. Last evaluated: 2017-10-17. Review status: criteria provided, single submitter. Criteria: Invitae Variant Classification Sherloc (09022015). Collection method: clinical testing. Allele origin: germline.

NM_015341.5(NCAPH):c.1002+9A>G

Gene: NCAPH (non-SMC condensin I complex subunit H; plus strand). Cytogenetic location: 2q11.2.
Variant type: single nucleotide variant.
Coding change: c.1002+9A>G on transcript NM_015341.5 (MANE Select); 9 bases into the intron after coding-DNA position 1002, A replaced by G.
Molecular consequence: intron variant.
Genome position (GRCh38, 1-based): chr2:96,353,406, A>G. VCF-style: chr2-96353406-A-G. GRCh37 (hg19) VCF-style: chr2-97019144-A-G.
Other names: c.969+9A>G (NM_001281710.2); c.930+9A>G (NM_001281711.2); c.594+9A>G (NM_001281712.2).
Identifiers: ClinVar variation 769568 (VCV000769568.27), dbSNP rs145131587, ClinGen allele CA1779983.